The following is an entry in ClinVar:

ClinVar aggregate classification (germline): Uncertain significance. Review status: criteria provided, multiple submitters, no conflicts (2 of 4 stars). 2 submissions from 2 submitters: Uncertain significance (2). Last evaluated 2020-10-19.

Conditions:
Autosomal dominant hypocalcemia 1 (HYPOC1). Also called: HYPOCALCEMIA, FAMILIAL. Identifiers: MedGen C3715128, MONDO:0011013, OMIM 601198.
Familial hypocalciuric hypercalcemia (FHH). Also called: Familial benign hypercalcemia. Identifiers: Orphanet 405, MedGen C1809471, MONDO:0018458.

Allele frequency attached by ClinVar (database versions not stated): gnomAD 0.00001.
gnomAD v4.1: 1 of 1,613,794 alleles (0.000062%); highest among the groups gnomAD compares: Admixed American, 0.0017%; no homozygotes.

Submissions (2):

Labcorp Genetics (formerly Invitae), Labcorp
Classification: Uncertain significance for Familial hypocalciuric hypercalcemia; Autosomal dominant hypocalcemia 1. Last evaluated: 2020-10-19. Review status: criteria provided, single submitter. Criteria: Invitae Variant Classification Sherloc (09022015). Collection method: clinical testing. Allele origin: germline.
Comment: In summary, the available evidence is currently insufficient to determine the role of this variant in disease. Therefore, it has been classified as a Variant of Uncertain Significance. Algorithms developed to predict the effect of missense changes on protein structure and function are either unavailable or do not agree on the potential impact of this missense change (SIFT: "Tolerated"; PolyPhen-2: "Possibly Damaging"; Align-GVGD: "Class C0"). This variant has been observed in individual(s) with familial hypocalciuric hypercalcemia (PMID: 19179454, 31672324). ClinVar contains an entry for this variant (Variation ID: 585619). This variant is not present in population databases (ExAC no frequency). This sequence change replaces cysteine with glycine at codon 565 of the CASR protein (p.Cys565Gly). The cysteine residue is highly conserved and there is a large physicochemical difference between cysteine and glycine.

Athena Diagnostics
Classification: Uncertain significance. Last evaluated: 2017-11-03. Review status: criteria provided, single submitter. Criteria: Athena Diagnostics Criteria. Collection method: clinical testing. Allele origin: germline.

Literature cited by the submitters: PubMed 19179454 (cited by Labcorp Genetics (formerly Invitae), Labcorp and Athena Diagnostics); PubMed 31672324 (cited by Labcorp Genetics (formerly Invitae), Labcorp).

NM_000388.4(CASR):c.1693T>G (p.Cys565Gly)

Gene: CASR (calcium sensing receptor; plus strand). Cytogenetic location: 3q21.1.
Variant type: single nucleotide variant.
Coding change: c.1693T>G on transcript NM_000388.4 (MANE Select); coding-DNA position 1693, T replaced by G.
Protein change: p.Cys565Gly; replaces cysteine 565 with glycine.
Molecular consequence: missense variant.
Genome position (GRCh38, 1-based): chr3:122,282,197, T>G. VCF-style: chr3-122282197-T-G. GRCh37 (hg19) VCF-style: chr3-122001044-T-G.
Other names: c.1723T>G, p.Cys575Gly (NM_001178065.2); short protein forms C565G, C575G.
Identifiers: ClinVar variation 585619 (VCV000585619.11), dbSNP rs1559967708, ClinGen allele CA354156289.
Genomic context (GRCh38, chr3:122,282,197, plus strand): 5'-GACTGCCTGGCAGGGACCAGGAAAGGGATCATTGAGGGGGAGCCCACCTGCTGCTTTGAG[T>G]GTGTGGAGTGTCCTGATGGGGAGTATAGTGATGAGACAGGTAAGGGAACCCCTCTTGGGC-3'
Protein context (NP_000379.3, residues 555-575): IEGEPTCCFE[Cys565Gly]VECPDGEYSD